The following is an entry in ClinVar:

ClinVar aggregate classification (germline): Uncertain significance (1 of 4 stars; one submission).

Submission:

Labcorp Genetics (formerly Invitae), Labcorp
Classification: Uncertain significance. Last evaluated: 2024-01-21. Review status: criteria provided, single submitter. Criteria: Invitae Variant Classification Sherloc (09022015). Collection method: clinical testing. Allele origin: germline.
Comment: This sequence change replaces tyrosine, which is neutral and polar, with serine, which is neutral and polar, at codon 577 of the PPP2R1A protein (p.Tyr577Ser). This variant is not present in population databases (gnomAD no frequency). This variant has not been reported in the literature in individuals affected with PPP2R1A-related conditions. Advanced modeling of protein sequence and biophysical properties (such as structural, functional, and spatial information, amino acid conservation, physicochemical variation, residue mobility, and thermodynamic stability) performed at Invitae indicates that this missense variant is expected to disrupt PPP2R1A protein function with a positive predictive value of 80%. In summary, the available evidence is currently insufficient to determine the role of this variant in disease. Therefore, it has been classified as a Variant of Uncertain Significance.

NM_014225.6(PPP2R1A):c.1730A>C (p.Tyr577Ser)

Gene: PPP2R1A (protein phosphatase 2 scaffold subunit Aalpha; plus strand). Cytogenetic location: 19q13.41.
Variant type: single nucleotide variant.
Coding change: c.1730A>C on transcript NM_014225.6 (MANE Select); coding-DNA position 1730, A replaced by C.
Protein change: p.Tyr577Ser; replaces tyrosine 577 with serine.
Molecular consequence: missense variant. On other transcripts: non-coding transcript variant (1).
Genome position (GRCh38, 1-based): chr19:52,225,785, A>C. VCF-style: chr19-52225785-A-C. GRCh37 (hg19) VCF-style: chr19-52729038-A-C.
Other names: c.1193A>C, p.Tyr398Ser (NM_001363656.2); short protein forms Y577S, Y398S.
Identifiers: ClinVar variation 2710623 (VCV002710623.3), dbSNP rs2514107476, ClinGen allele CA407159676.